The following is an entry in ClinVar:

NM_133497.4(KCNV2):c.1269C>A (p.Phe423Leu)

Gene: KCNV2 (potassium voltage-gated channel modifier subfamily V member 2; plus strand). Cytogenetic location: 9p24.2.
Variant type: single nucleotide variant.
Coding change: c.1269C>A on transcript NM_133497.4 (MANE Select); coding-DNA position 1269, C replaced by A.
Protein change: p.Phe423Leu; replaces phenylalanine 423 with leucine.
Molecular consequence: missense variant.
Genome position (GRCh38, 1-based): chr9:2,719,008, C>A. VCF-style: chr9-2719008-C-A. GRCh37 (hg19) VCF-style: chr9-2719008-C-A.
Other names: short protein forms F423L.
Identifiers: ClinVar variation 3679625 (VCV003679625.2).

ClinVar aggregate classification (germline): Uncertain significance (1 of 4 stars; one submission).

Submission:

Labcorp Genetics (formerly Invitae), Labcorp
Classification: Uncertain significance. Last evaluated: 2024-07-04. Review status: criteria provided, single submitter. Criteria: Invitae Variant Classification Sherloc (09022015). Collection method: clinical testing. Allele origin: germline.
Comment: This sequence change replaces phenylalanine, which is neutral and non-polar, with leucine, which is neutral and non-polar, at codon 423 of the KCNV2 protein (p.Phe423Leu). This variant is not present in population databases (gnomAD no frequency). This variant has not been reported in the literature in individuals affected with KCNV2-related conditions. Advanced modeling of protein sequence and biophysical properties (such as structural, functional, and spatial information, amino acid conservation, physicochemical variation, residue mobility, and thermodynamic stability) performed at Invitae indicates that this missense variant is not expected to disrupt KCNV2 protein function with a negative predictive value of 80%. In summary, the available evidence is currently insufficient to determine the role of this variant in disease. Therefore, it has been classified as a Variant of Uncertain Significance.